The following is an entry in ClinVar:

NM_013275.6(ANKRD11):c.3298T>C (p.Ser1100Pro)

Gene: ANKRD11 (ankyrin repeat domain 11; minus strand). Cytogenetic location: 16q24.3.
Variant type: single nucleotide variant.
Coding change: c.3298T>C on transcript NM_013275.6 (MANE Select); coding-DNA position 3298, T replaced by C.
Protein change: p.Ser1100Pro; replaces serine 1100 with proline.
Molecular consequence: missense variant.
Genome position (GRCh38, 1-based): chr16:89,283,244, A>G on the plus strand (T>C on the coding strand, the complement: ANKRD11 is on the minus strand). VCF-style: chr16-89283244-A-G. GRCh37 (hg19) VCF-style: chr16-89349652-A-G.
Other names: c.3298T>C, p.Ser1100Pro (NM_001256182.2, NM_001256183.2); c.3298T>C (NM_013275.5); short protein forms S1100P.
Identifiers: ClinVar variation 1343283 (VCV001343283.3), dbSNP rs746044012, ClinGen allele CA8242385.

ClinVar aggregate classification (germline): Uncertain significance. Review status: criteria provided, multiple submitters, no conflicts (2 of 4 stars). 3 submissions from 3 submitters: Uncertain significance (2). 1 of the submissions does not count toward it. Last evaluated 2025-02-06.

Conditions:
ANKRD11-related disorder. Also called: ANKRD11-related condition.
KBG syndrome (KBGS). Also called: ANKRD11-Related KBG Syndrome. Identifiers: Orphanet 2332, MedGen C0220687, MONDO:0007846, OMIM 148050.

Allele frequency attached by ClinVar (database versions not stated): gnomAD exomes 0.00001; ExAC 0.00002; gnomAD 0.00002; TOPMed 0.00004.
gnomAD v4.1: 15 of 1,613,696 alleles (0.00093%); highest among the groups gnomAD compares: African/African-American, 0.0013%; no homozygotes.

Submissions (3):

Women's Health and Genetics/Laboratory Corporation of America, LabCorp
Classification: Uncertain significance. Last evaluated: 2025-02-06. Review status: criteria provided, single submitter. Criteria: LabCorp Variant Classification Summary - May 2015. Collection method: clinical testing. Allele origin: germline.
Comment: Variant summary: ANKRD11 c.3298T>C (p.Ser1100Pro) results in a non-conservative amino acid change in the encoded protein sequence. Four of five in-silico tools predict a benign effect of the variant on protein function. The variant allele was found at a frequency of 1.2e-05 in 251468 control chromosomes. The available data on variant occurrences in the general population are insufficient to allow any conclusion about variant significance. To our knowledge, no occurrence of c.3298T>C in individuals affected with KBG Syndrome and no experimental evidence demonstrating its impact on protein function have been reported. ClinVar contains an entry for this variant (Variation ID: 1343283). Based on the evidence outlined above, the variant was classified as uncertain significance.

Institute of Human Genetics, Clinical Exome/Genome Diagnostics Group, University Hospital Bonn
Classification: Uncertain significance for KBG syndrome. Last evaluated: 2022-03-01. Review status: criteria provided, single submitter. Criteria: ACMG Guidelines, 2015. Collection method: clinical testing. Allele origin: germline. Affected: yes.

PreventionGenetics, part of Exact Sciences
Classification: Uncertain significance for ANKRD11-related condition. Last evaluated: 2024-06-17. Review status: no assertion criteria provided. Collection method: clinical testing. Allele origin: germline. Not counted in ClinVar's aggregate classification.
Comment: The ANKRD11 c.3298T>C variant is predicted to result in the amino acid substitution p.Ser1100Pro. To our knowledge, this variant has not been reported in the literature. This variant is reported in 0.0031% of alleles in individuals of European (Non-Finnish) descent in gnomAD. At this time, the clinical significance of this variant is uncertain due to the absence of conclusive functional and genetic evidence.